The following is an entry in ClinVar:

ClinVar aggregate classification (germline): Conflicting classifications of pathogenicity. Review status: criteria provided, conflicting classifications (1 of 4 stars). 10 submissions from 10 submitters: Uncertain significance (5); Likely benign (3). 2 of the submissions do not count toward it. Last evaluated 2026-05-13.

Conditions:
BRCA2-related cancer predisposition. Identifiers: MedGen CN377758, MONDO:0700269.
Hereditary cancer-predisposing syndrome. Also called: Neoplastic Syndromes, Hereditary; Hereditary neoplastic syndrome; Hereditary Cancer Syndrome; Tumor predisposition. Identifiers: Orphanet 140162, MedGen C0027672, MeSH D009386, MONDO:0015356.
Hereditary breast ovarian cancer syndrome. Also called: Hereditary breast and/or ovarian cancer syndrome; Hereditary breast and ovarian cancer syndrome (HBOC); Breast and ovarian cancer; Hereditary breast and ovarian cancer syndrome; Hereditary breast and ovarian cancer; BRCA1- and BRCA2-Associated Hereditary Breast and Ovarian Cancer. Identifiers: Orphanet 145, MedGen C0677776, MeSH D061325, MONDO:0003582. Disease mechanism: loss of function.
Breast-ovarian cancer, familial, susceptibility to, 2 (BROVCA2). Also called: BRCA2 Hereditary Breast and Ovarian Cancer. Identifiers: Orphanet 145, MedGen C2675520, MONDO:0012933, OMIM 612555. Disease mechanism: loss of function.

Allele frequency attached by ClinVar (database versions not stated): gnomAD 0.00001; TOPMed 0.00001.
gnomAD v4.1: 4 of 1,586,224 alleles (0.00025%); highest among the groups gnomAD compares: Admixed American, 0.0074%; no homozygotes.

Submissions (10):

Women's Health and Genetics/Laboratory Corporation of America, LabCorp
Classification: Uncertain significance. Last evaluated: 2026-05-13. Review status: criteria provided, single submitter. Criteria: LabCorp Variant Classification Summary - May 2015. Collection method: clinical testing. Allele origin: germline.
Comment: Variant summary: BRCA2 c.3966C>G (p.Asn1322Lys) results in a non-conservative amino acid change in the encoded protein sequence. Algorithms developed to predict the effect of missense changes on protein structure and function are either unavailable or do not agree on the potential impact of this missense change. The variant allele was found at a frequency of 8.8e-06 in 228428 control chromosomes. The available data on variant occurrences in the general population are insufficient to allow any conclusion about variant significance. To our knowledge, no occurrence of c.3966C>G in individuals affected with BRCA2-related conditions and no experimental evidence demonstrating its impact on protein function have been reported. ClinVar contains an entry for this variant (Variation ID: 51576). Based on the evidence outlined above, the variant was classified as uncertain significance.

Labcorp Genetics (formerly Invitae), Labcorp
Classification: Likely benign for Hereditary breast ovarian cancer syndrome. Last evaluated: 2025-10-14. Review status: criteria provided, single submitter. Criteria: Invitae Variant Classification Sherloc (09022015). Collection method: clinical testing. Allele origin: germline.

Quest Diagnostics Nichols Institute San Juan Capistrano
Classification: Uncertain significance. Last evaluated: 2024-11-26. Review status: criteria provided, single submitter. Criteria: Quest Diagnostics criteria. Collection method: clinical testing. Allele origin: unknown.
Comment: The BRCA2 c.3966C>G (p.Asn1322Lys) variant has been identified in the published literature in a reportedly healthy individual (PMID: 33471991 (2021), see also LOVD), and described to be located in a region of the BRCA2 gene that is tolerant to missense sequence changes (PMID: 31911673 (2020)). A multifactorial probability analysis study has reported that this variant is likely benign (PMID: 31131967 (2019)). The frequency of this variant in the general population, 0.0000088 (2/228428 chromosomes (Genome Aggregation Database)), is uninformative in the assessment of its pathogenicity. Analysis of this variant using bioinformatics tools for the prediction of the effect of amino acid changes on protein structure and function yielded predictions that this variant is benign. Based on the available information, we are unable to determine the clinical significance of this variant.

All of Us Research Program, National Institutes of Health
Classification: Uncertain significance for BRCA2-related cancer predisposition. Last evaluated: 2024-07-20. Review status: criteria provided, single submitter. Criteria: ACMG Guidelines, 2015. Collection method: clinical testing. Allele origin: germline. Inheritance: Autosomal dominant inheritance. Observed: 2 variant alleles, 2 heterozygotes.
Comment: This missense variant replaces asparagine with lysine at codon 1322 of the BRCA2 protein. Computational prediction tool suggests that this variant may not impact protein structure and function (internally defined REVEL score threshold <= 0.5, PMID: 27666373). Splice site prediction tools suggest that this variant may not impact RNA splicing. To our knowledge, functional studies have not been performed for this variant. This variant has been reported with posterior probability of being pathogenic of 0.0075 based on family history likelihood of 0.3457 from two carrier families (PMID: 31131967). This variant has been identified in 2/228428 chromosomes in the general population by the Genome Aggregation Database (gnomAD). The available evidence is insufficient to determine the role of this variant in disease conclusively. Therefore, this variant is classified as a Variant of Uncertain Significance.

This study involves interpretation of variants in research participants for the purpose of population health screening. Participant phenotype was not available at the time of variant classification. Additional details can be found in publication PMID: 35346344, PMCID: PMC8962531

Ambry Genetics
Classification: Uncertain significance for Hereditary cancer-predisposing syndrome. Last evaluated: 2024-07-13. Review status: criteria provided, single submitter. Criteria: Ambry Variant Classification Scheme 2023. Collection method: clinical testing. Allele origin: germline.
Comment: The p.N1322K variant (also known as c.3966C>G), located in coding exon 10 of the BRCA2 gene, results from a C to G substitution at nucleotide position 3966. The asparagine at codon 1322 is replaced by lysine, an amino acid with similar properties. This amino acid position is not well conserved in available vertebrate species. In addition, this alteration is predicted to be tolerated by in silico analysis. Since supporting evidence is limited at this time, the clinical significance of this alteration remains unclear.

Color Diagnostics, LLC DBA Color Health
Classification: Uncertain significance for Hereditary cancer-predisposing syndrome. Last evaluated: 2024-07-10. Review status: criteria provided, single submitter. Criteria: ACMG Guidelines, 2015. Collection method: clinical testing. Allele origin: germline.
Comment: This missense variant replaces asparagine with lysine at codon 1322 of the BRCA2 protein. Computational prediction suggests that this variant may not impact protein structure and function. To our knowledge, functional studies have not been performed for this variant. This variant has been reported with posterior probability of pathogenicity of 0.0075 based on family history likelihood of 0.3457 from two carrier families (PMID: 31131967). This variant has been identified in 2/228428 chromosomes in the general population by the Genome Aggregation Database (gnomAD). The available evidence is insufficient to determine the role of this variant in disease conclusively. Therefore, this variant is classified as a Variant of Uncertain Significance.

Myriad Genetics, Inc.
Classification: Likely benign for Breast-ovarian cancer, familial, susceptibility to, 2. Last evaluated: 2023-11-06. Review status: criteria provided, single submitter. Criteria: Myriad Autosomal Dominant, Autosomal Recessive and X-Linked Classification Criteria (2023). Collection method: clinical testing. Allele origin: unknown.
Comment: This variant is considered likely benign. This variant is strongly associated with less severe personal and family histories of cancer, typical for individuals without pathogenic variants in this gene [PMID: 25085752].

University of Washington Department of Laboratory Medicine, University of Washington
Classification: Likely benign for Hereditary cancer-predisposing syndrome. Last evaluated: 2023-03-23. Review status: criteria provided, single submitter. Criteria: Dines et al. (Genet Med. 2020). Collection method: curation. Allele origin: germline.
Comment: Missense variant in a coldspot region where missense variants are very unlikely to be pathogenic (PMID:31911673).

BRCA2 exon 11 coldspot. Reclassification based on statistical prior probability.

Sharing Clinical Reports Project (SCRP)
Classification: Uncertain significance for Breast-ovarian cancer, familial 2. Last evaluated: 2009-04-21. Review status: no assertion criteria provided. Collection method: clinical testing. Allele origin: germline. Not counted in ClinVar's aggregate classification.

Breast Cancer Information Core (BIC) (BRCA2)
Classification: Uncertain significance for Breast-ovarian cancer, familial 2. Last evaluated: 2003-12-23. Review status: no assertion criteria provided. Collection method: clinical testing. Allele origin: germline. Affected: yes. Observed: 2 variant alleles. Not counted in ClinVar's aggregate classification.

Literature cited by the submitters: PubMed 31911673 (cited by Quest Diagnostics Nichols Institute San Juan Capistrano); PubMed 33471991 (cited by Quest Diagnostics Nichols Institute San Juan Capistrano); PubMed 31131967 (cited by 3 submitters); PubMed 25085752 (cited by Myriad Genetics, Inc.).

NM_000059.4(BRCA2):c.3966C>G (p.Asn1322Lys)

Gene: BRCA2 (BRCA2 DNA repair associated; plus strand). Cytogenetic location: 13q13.1.
Variant type: single nucleotide variant.
Coding change: c.3966C>G on transcript NM_000059.4 (MANE Select); coding-DNA position 3966, C replaced by G.
Protein change: p.Asn1322Lys; replaces asparagine 1322 with lysine.
Molecular consequence: missense variant.
Genome position (GRCh38, 1-based): chr13:32,338,321, C>G. VCF-style: chr13-32338321-C-G. GRCh37 (hg19) VCF-style: chr13-32912458-C-G.
Other names: 4194C>G; short protein forms N1322K.
Identifiers: ClinVar variation 51576 (VCV000051576.32), dbSNP rs80358647, ClinGen allele CA019298.